The following is an entry in ClinVar:

ClinVar aggregate classification (germline): Uncertain significance (1 of 4 stars; one submission).

Conditions:
RAI1-related disorder. Also called: RAI1-related condition.

Submission:

PreventionGenetics, part of Exact Sciences
Classification: Uncertain significance for RAI1-related condition. Last evaluated: 2024-11-07. Review status: criteria provided, single submitter. Criteria: ACMG Guidelines, 2015. Collection method: clinical testing. Allele origin: germline.
Comment: The RAI1 c.244A>G variant is predicted to result in the amino acid substitution p.Ser82Gly. To our knowledge, this variant has not been reported in the literature or in a large population database (gnomAD), indicating this variant is rare. At this time, the clinical significance of this variant is uncertain due to the absence of conclusive functional and genetic evidence.

NM_030665.4(RAI1):c.244A>G (p.Ser82Gly)

Gene: RAI1 (retinoic acid induced 1; plus strand). Cytogenetic location: 17p11.2.
Variant type: single nucleotide variant.
Coding change: c.244A>G on transcript NM_030665.4 (MANE Select); coding-DNA position 244, A replaced by G.
Protein change: p.Ser82Gly; replaces serine 82 with glycine.
Molecular consequence: missense variant.
Genome position (GRCh38, 1-based): chr17:17,793,192, A>G. VCF-style: chr17-17793192-A-G. GRCh37 (hg19) VCF-style: chr17-17696506-A-G.
Other names: short protein forms S82G.
Identifiers: ClinVar variation 5000503 (VCV005000503.1).